The following is an entry in ClinVar:

NM_001128148.3(TFRC):c.1678-4G>A

Gene: TFRC (transferrin receptor; minus strand). Cytogenetic location: 3q29.
Variant type: single nucleotide variant.
Coding change: c.1678-4G>A on transcript NM_001128148.3 (MANE Select); 4 bases into the intron before coding-DNA position 1678, G replaced by A.
Molecular consequence: intron variant.
Genome position (GRCh38, 1-based): chr3:196,055,305, C>T on the plus strand (G>A on the coding strand, the complement: TFRC is on the minus strand). VCF-style: chr3-196055305-C-T. GRCh37 (hg19) VCF-style: chr3-195782176-C-T.
Other names: c.832-4G>A (NM_001313966.2); c.1435-4G>A (NM_001313965.2); c.1678-4G>A (NM_003234.4).
Identifiers: ClinVar variation 1237075 (VCV001237075.13), dbSNP rs419068, ClinGen allele CA2777798.

ClinVar aggregate classification (germline): Benign/Likely benign. Review status: criteria provided, multiple submitters, no conflicts (2 of 4 stars). 6 submissions from 6 submitters: Benign (5); Likely benign (1). Last evaluated 2024-11-26.

Conditions:
TFRC-related combined immunodeficiency. Also called: Immunodeficiency 46. Identifiers: Orphanet 476113, MedGen C5568133, MONDO:0014760, OMIM 616740.

Allele frequency attached by ClinVar (database versions not stated): ESP Exome Variant Server 0.19091; 1000 Genomes Project 30x 0.29638; 1000 Genomes Project 0.29812; TOPMed 0.30650; gnomAD exomes 0.31391 and 0.31739; gnomAD 0.31401 and 0.31416; ExAC 0.32015.
gnomAD v4.1: 510,128 of 1,611,246 alleles (32%); highest among the groups gnomAD compares: South Asian, 36%; 82,012 homozygotes.

Submissions (6):

Blueprint Genetics
Classification: Likely benign. Last evaluated: 2024-11-26. Review status: criteria provided, single submitter. Criteria: ACMG Guidelines, 2015. Collection method: clinical testing. Allele origin: germline.

Labcorp Genetics (formerly Invitae), Labcorp
Classification: Benign. Last evaluated: 2023-12-18. Review status: criteria provided, single submitter. Criteria: Invitae Variant Classification Sherloc (09022015). Collection method: clinical testing. Allele origin: germline.

Unidad de Genómica Garrahan, Hospital de Pediatría Garrahan
Classification: Benign. Last evaluated: 2023-11-12. Review status: criteria provided, single submitter. Criteria: ACMG Guidelines, 2015. Collection method: clinical testing. Allele origin: germline. Affected: no. Observed: 50 variant alleles.
Comment: This variant is classified as Benign based on local population frequency. This variant was detected in 52% of patients studied by a panel of primary immunodeficiencies. Number of patients: 50. Only high quality variants are reported.

Genome-Nilou Lab
Classification: Benign for TFRC-related combined immunodeficiency. Last evaluated: 2021-09-10. Review status: criteria provided, single submitter. Criteria: ACMG Guidelines, 2015. Collection method: clinical testing. Allele origin: germline. Affected: no.

GeneDx
Classification: Benign. Last evaluated: 2021-06-09. Review status: criteria provided, single submitter. Criteria: GeneDx Variant Classification Process June 2021. Collection method: clinical testing. Allele origin: germline. Affected: yes.

Breakthrough Genomics
Classification: Benign. Review status: criteria provided, single submitter. Criteria: ACMG Guidelines, 2015. Collection method: not provided. Allele origin: germline. Inheritance: Autosomal recessive inheritance. Affected: yes.